The following is an entry in ClinVar:

NM_005548.3(KARS1):c.979A>G (p.Ile327Val)

Gene: KARS1 (lysyl-tRNA synthetase 1; minus strand). Cytogenetic location: 16q23.1.
Variant type: single nucleotide variant.
Coding change: c.979A>G on transcript NM_005548.3 (MANE Select); coding-DNA position 979, A replaced by G.
Protein change: p.Ile327Val; replaces isoleucine 327 with valine.
Molecular consequence: missense variant.
Genome position (GRCh38, 1-based): chr16:75,631,792, T>C on the plus strand (A>G on the coding strand, the complement: KARS1 is on the minus strand). VCF-style: chr16-75631792-T-C. GRCh37 (hg19) VCF-style: chr16-75665690-T-C.
Other names: c.1063A>G, p.Ile355Val (NM_001130089.2); c.511A>G, p.Ile171Val (NM_001378148.1); c.1063A>G (NM_001130089.1); short protein forms I171V, I327V, I355V.
Identifiers: ClinVar variation 993573 (VCV000993573.18), dbSNP rs372994342, ClinGen allele CA8177420.
Genomic context (GRCh38, chr16:75,631,792, plus strand): 5'-AGTCTGCATAGGCCATGTAGAACTCACAGGTGGTGAACTCAGGATTGTGCGTCAAATCAA[T>C]CCCCTCATTCCGGAACTGGCGTCCAATTTCATAAACCCGGTCGATGCCACCAACCACAAG-3'
Protein context (NP_005539.1, residues 317-337): EIGRQFRNEG[Ile327Val]DLTHNPEFTT

ClinVar aggregate classification (germline): Uncertain significance. Review status: criteria provided, multiple submitters, no conflicts (2 of 4 stars). 6 submissions from 6 submitters: Uncertain significance (6). Last evaluated 2025-08-30.

Allele frequency attached by ClinVar (database versions not stated): gnomAD 0.00005 and 0.00006; gnomAD exomes 0.00006 and 0.00007; TOPMed 0.00006; ExAC 0.00007; ESP Exome Variant Server 0.00008.
gnomAD v4.1: 100 of 1,613,892 alleles (0.0062%); highest among the groups gnomAD compares: Middle Eastern, 0.082%; no homozygotes.

Submissions (6):

Ambry Genetics
Classification: Uncertain significance. Last evaluated: 2025-08-30. Review status: criteria provided, single submitter. Criteria: Ambry Variant Classification Scheme 2023. Collection method: clinical testing. Allele origin: germline.

Blueprint Genetics
Classification: Uncertain significance. Last evaluated: 2024-09-16. Review status: criteria provided, single submitter. Criteria: ACMG Guidelines, 2015. Collection method: clinical testing. Allele origin: germline.

GeneDx
Classification: Uncertain significance. Last evaluated: 2024-01-02. Review status: criteria provided, single submitter. Criteria: GeneDx Variant Classification Process June 2021. Collection method: clinical testing. Allele origin: germline. Affected: yes.
Comment: In silico analysis supports that this missense variant does not alter protein structure/function; Has not been previously published as pathogenic or benign to our knowledge

Labcorp Genetics (formerly Invitae), Labcorp
Classification: Uncertain significance. Last evaluated: 2022-07-19. Review status: criteria provided, single submitter. Criteria: Invitae Variant Classification Sherloc (09022015). Collection method: clinical testing. Allele origin: germline.
Comment: This sequence change replaces isoleucine, which is neutral and non-polar, with valine, which is neutral and non-polar, at codon 355 of the KARS protein (p.Ile355Val). This variant is present in population databases (rs372994342, gnomAD 0.01%). This variant has not been reported in the literature in individuals affected with KARS-related conditions. ClinVar contains an entry for this variant (Variation ID: 993573). Algorithms developed to predict the effect of missense changes on protein structure and function (SIFT, PolyPhen-2, Align-GVGD) all suggest that this variant is likely to be disruptive. In summary, the available evidence is currently insufficient to determine the role of this variant in disease. Therefore, it has been classified as a Variant of Uncertain Significance.

ARUP Laboratories, Molecular Genetics and Genomics, ARUP Laboratories
Classification: Uncertain significance. Last evaluated: 2020-07-30. Review status: criteria provided, single submitter. Criteria: ARUP Molecular Germline Variant Investigation Process. Collection method: clinical testing. Allele origin: germline.
Comment: The KARS c.1063A>G; p.Ile355Val variant (rs372994342), to our knowledge, is not reported in the medical literature or gene specific databases. This variant is found in the general population with an allele frequency of 0.0074% (21/282,866 alleles) in the Genome Aggregation Database. The isoleucine at codon 355 is highly conserved, and computational analyses (SIFT, PolyPhen-2) predict that this variant is deleterious. Due to limited information, the clinical significance of this variant is uncertain at this time.

Breakthrough Genomics
Classification: Uncertain significance. Review status: criteria provided, single submitter. Criteria: ACMG Guidelines, 2015. Collection method: not provided. Allele origin: germline. Inheritance: Autosomal recessive inheritance. Affected: yes.